The following is an entry in ClinVar:

ClinVar aggregate classification (germline): Uncertain significance (1 of 4 stars; one submission).

Submission:

GeneDx
Classification: Uncertain significance. Last evaluated: 2019-04-03. Review status: criteria provided, single submitter. Criteria: GeneDx Variant Classification Process June 2021. Collection method: clinical testing. Allele origin: germline. Affected: yes.
Comment: Not observed in large population cohorts (Lek et al., 2016); In silico analysis, which includes protein predictors and evolutionary conservation, supports a deleterious effect; Has not been previously published as pathogenic or benign to our knowledge

NM_001110556.2(FLNA):c.2423T>C (p.Ile808Thr)

Gene: FLNA (filamin A; minus strand). Cytogenetic location: Xq28.
Variant type: single nucleotide variant.
Coding change: c.2423T>C on transcript NM_001110556.2 (MANE Select); coding-DNA position 2423, T replaced by C.
Protein change: p.Ile808Thr; replaces isoleucine 808 with threonine.
Molecular consequence: missense variant.
Genome position (GRCh38, 1-based): chrX:154,362,560, A>G on the plus strand (T>C on the coding strand, the complement: FLNA is on the minus strand). VCF-style: chrX-154362560-A-G. GRCh37 (hg19) VCF-style: chrX-153590928-A-G.
Other names: c.2423T>C, p.Ile808Thr (NM_001456.4); short protein forms I808T.
Identifiers: ClinVar variation 1308377 (VCV001308377.2), dbSNP rs2148114513, ClinGen allele CA415236941.